The following is an entry in ClinVar:

ClinVar aggregate classification (germline): Uncertain significance. Review status: criteria provided, multiple submitters, no conflicts (2 of 4 stars). 4 submissions from 4 submitters: Uncertain significance (4). Last evaluated 2025-10-17.

Conditions:
Familial thoracic aortic aneurysm and aortic dissection (TAAD). Also called: Thoracic aortic aneurysms and dissections. Identifiers: Orphanet 91387, MedGen C4707243, MONDO:0019625.

Submissions (4):

Mayo Clinic Laboratories, Mayo Clinic
Classification: Uncertain significance. Last evaluated: 2025-10-17. Review status: criteria provided, single submitter. Criteria: ACMG Guidelines, 2015. Collection method: clinical testing. Allele origin: germline. Observed: 1 variant allele.
Comment: PP3_moderate, PM2_supporting

Color Diagnostics, LLC DBA Color Health
Classification: Uncertain significance for Familial thoracic aortic aneurysm and aortic dissection. Last evaluated: 2024-03-06. Review status: criteria provided, single submitter. Criteria: ACMG Guidelines, 2015. Collection method: clinical testing. Allele origin: germline.
Comment: This missense variant replaces arginine with serine at codon 1346 of the MYH11 protein. Computational prediction suggests that this variant may have deleterious impact on protein structure and function (internally defined REVEL score threshold >= 0.7, PMID: 27666373). To our knowledge, functional studies have not been reported for this variant. This variant has not been reported in individuals affected with cardiovascular disorders in the literature. This variant has not been identified in the general population by the Genome Aggregation Database (gnomAD). The available evidence is insufficient to determine the role of this variant in disease conclusively. Therefore, this variant is classified as a Variant of Uncertain Significance.

All of Us Research Program, National Institutes of Health
Classification: Uncertain significance for Familial thoracic aortic aneurysm and aortic dissection. Last evaluated: 2023-08-08. Review status: criteria provided, single submitter. Criteria: ACMG Guidelines, 2015. Collection method: clinical testing. Allele origin: germline. Inheritance: Autosomal dominant inheritance. Observed: 1 variant allele, 1 heterozygote.
Comment: This missense variant replaces arginine with serine at codon 1346 of the MYH11 protein. Computational prediction suggests that this variant may have deleterious impact on protein structure and function (internally defined REVEL score threshold >= 0.7, PMID: 27666373). To our knowledge, functional studies have not been reported for this variant. This variant has not been reported in individuals affected with cardiovascular disorders in the literature. This variant has not been identified in the general population by the Genome Aggregation Database (gnomAD). The available evidence is insufficient to determine the role of this variant in disease conclusively. Therefore, this variant is classified as a Variant of Uncertain Significance.

This study involves interpretation of variants in research participants for the purpose of population health screening. Participant phenotype was not available at the time of variant classification. Additional details can be found in publication PMID: 35346344, PMCID: PMC8962531

Ambry Genetics
Classification: Uncertain significance for Familial thoracic aortic aneurysm and aortic dissection. Last evaluated: 2017-06-22. Review status: criteria provided, single submitter. Criteria: Ambry Variant Classification Scheme 2023. Collection method: clinical testing. Allele origin: germline.
Comment: The p.R1339S variant (also known as c.4015C>A), located in coding exon 29 of the MYH11 gene, results from a C to A substitution at nucleotide position 4015. The arginine at codon 1339 is replaced by serine, an amino acid with dissimilar properties. This amino acid position is highly conserved in available vertebrate species. In addition, this alteration is predicted to be deleterious by in silico analysis. Since supporting evidence is limited at this time, the clinical significance of this alteration remains unclear.

NM_002474.3(MYH11):c.4015C>A (p.Arg1339Ser)

Genes: NDE1 (nudE neurodevelopment protein 1; plus strand), MYH11 (myosin heavy chain 11; minus strand). Cytogenetic location: 16p13.11.
Variant type: single nucleotide variant.
Coding change: c.4015C>A on transcript NM_002474.3 (MANE Select); coding-DNA position 4015, C replaced by A.
Protein change: p.Arg1339Ser; replaces arginine 1339 with serine.
Molecular consequence: missense variant. On other transcripts: 3 prime UTR variant (2).
Genome position (GRCh38, 1-based): chr16:15,724,748, G>T on the plus strand (C>A on the coding strand, the complement: MYH11 is on the minus strand). VCF-style: chr16-15724748-G-T. GRCh37 (hg19) VCF-style: chr16-15818605-G-T.
Other names: p.Arg1346Ser; c.4036C>A, p.Arg1346Ser (NM_001040113.2, NM_001040114.2); c.4015C>A, p.Arg1339Ser (NM_022844.3); c.*497G>T (NM_001143979.2, NM_017668.3); short protein forms R1339S, R1346S.
Identifiers: ClinVar variation 519955 (VCV000519955.12), dbSNP rs754951425, ClinGen allele CA394858572.
Genomic context (GRCh38, chr16:15,724,748, plus strand): 5'-TGGCCTCCATCTCCTCGTCCAGCTGGTCTTGCAGGCTGTTCCGCTCCTCCTCCAGCTGGC[G>T]CAGCTTCGTAGACACGTTGAGCTTCTGCCGGGTTTCTTCTTGAAGCAGCTCCTGCAAAAG-3'
Protein context (NP_002465.1, residues 1329-1349): RQKLNVSTKL[Arg1339Ser]QLEEERNSLQ